The following is an entry in ClinVar:

ClinVar aggregate classification (germline): Pathogenic (1 of 4 stars; one submission).

Conditions:
Spondyloperipheral dysplasia. Also called: SPONDYLOPERIPHERAL DYSPLASIA WITH SHORT ULNA; Spondyloperipheral dysplasia-short ulna syndrome. Identifiers: Orphanet 1856, MedGen C0796173, MONDO:0010078, OMIM 271700.

Submission:

Clinical Genetics and Genomics, Karolinska University Hospital
Classification: Pathogenic for Spondyloperipheral dysplasia. Last evaluated: 2026-04-07. Review status: criteria provided, single submitter. Criteria: ACMG Guidelines, 2015. Collection method: clinical testing. Allele origin: unknown. Affected: yes.
Comment: This variant disrupts a region of the COL2A1 protein in which other variant(s) in close proximity have been determined to be pathogenic (PMID: 23545312). This suggests that this is a clinically significant region of the protein, and that variants that disrupt it are likely to be disease-causing. This variant has not been reported in the literature in individuals affected with COL2A1-related conditions. This variant is not present in population databases (gnomAD no frequency). This sequence change creates a premature translational stop signal (Thr1430Argfs*5) in the COL2A1 gene. While this is not anticipated to result in nonsense mediated decay, it is expected to disrupt the last 58 amino acid(s) of the COL2A1 protein.

NM_001844.5(COL2A1):c.4288del (p.Thr1430fs)

Gene: COL2A1 (collagen type II alpha 1 chain; minus strand). Cytogenetic location: 12q13.11.
Variant type: Deletion.
Coding change: c.4288del on transcript NM_001844.5 (MANE Select); coding-DNA position 4288, one base deleted (A; older notation c.4288delA).
Protein change: p.Thr1430fs; shifts the reading frame from threonine 1430.
Molecular consequence: frameshift variant.
Genome position (GRCh38, 1-based): chr12:47,974,118, T deleted on the plus strand (A on the coding strand, the reverse complement: COL2A1 is on the minus strand). VCF-style (leftmost placement, unchanged base first): chr12-47974117-GT-G. GRCh37 (hg19) VCF-style: chr12-48367900-GT-G.
Other names: c.4081del, p.Thr1361fs (NM_033150.3); short protein forms T1361fs, T1430fs.
Identifiers: ClinVar variation 4850918 (VCV004850918.1).
Genomic context (GRCh38, chr12:47,974,117, plus strand): 5'-AGGCAGCTCTTCTCTCTGGCAGCCCCACTCACCGTGCAGCCATCCTTCAGGGCAGTGTAC[GT>G]GAACCTGCTATTGCCCTCTGCCCGGATCTCCACGTCATTGGAGCCCTGGATGAGCAGGGC-3'